The following is an entry in ClinVar:

NM_000540.3(RYR1):c.12062A>T (p.Asp4021Val)

Gene: RYR1 (ryanodine receptor 1; plus strand). Cytogenetic location: 19q13.2.
Variant type: single nucleotide variant.
Coding change: c.12062A>T on transcript NM_000540.3 (MANE Select); coding-DNA position 12062, A replaced by T.
Protein change: p.Asp4021Val; replaces aspartic acid 4021 with valine.
Molecular consequence: missense variant.
Genome position (GRCh38, 1-based): chr19:38,546,494, A>T. VCF-style: chr19-38546494-A-T. GRCh37 (hg19) VCF-style: chr19-39037134-A-T.
Other names: c.12047A>T, p.Asp4016Val (NM_001042723.2); short protein forms D4016V, D4021V.
Identifiers: ClinVar variation 4282301 (VCV004282301.1).
Genomic context (GRCh38, chr19:38,546,494, plus strand): 5'-GGGATCTCTAGGACTCAAGCCAGATCGAGCTGCTGAAGGAGCTGCTGGATCTGCAGAAGG[A>T]CATGGTGGTGATGTTGCTGTCGCTACTAGAAGGTAAACACCCAGGAGTGAGGGTGAGGGA-3'
Protein context (NP_000531.2, residues 4011-4031): LLKELLDLQK[Asp4021Val]MVVMLLSLLE

ClinVar aggregate classification (germline): Uncertain significance (1 of 4 stars; one submission).

Submission:

GeneDx
Classification: Uncertain significance. Last evaluated: 2025-04-17. Review status: criteria provided, single submitter. Criteria: GeneDx Variant Classification Process June 2021. Collection method: clinical testing. Allele origin: germline. Affected: yes.
Comment: Not observed at significant frequency in large population cohorts (gnomAD); In silico analysis supports that this missense variant has a deleterious effect on protein structure/function; Has not been previously published as pathogenic or benign to our knowledge